The following is an entry in ClinVar:

NM_000368.5(TSC1):c.558_559dup (p.Leu187fs)

Gene: TSC1 (TSC complex subunit 1; minus strand). Cytogenetic location: 9q34.13.
Variant type: Duplication.
Coding change: c.558_559dup on transcript NM_000368.5 (MANE Select); coding-DNA positions 558 to 559, 2 bases duplicated (AC; older notation c.558_559dupAC).
Protein change: p.Leu187fs; shifts the reading frame from leucine 187.
Molecular consequence: frameshift variant. On other transcripts: 5 prime UTR variant (5), non-coding transcript variant (5).
Genome position (GRCh38, 1-based): chr9:132,921,923-132,921,924, GT duplicated on the plus strand (AC on the coding strand, the reverse complement: TSC1 is on the minus strand); duplicating any 2 consecutive bases within chr9:132,921,923-132,921,925 gives the same sequence; the c. name uses the placement nearest the transcript's 3' end. VCF-style (leftmost placement, unchanged base first): chr9-132921922-A-AGT. GRCh37 (hg19) VCF-style: chr9-135797309-A-AGT.
Other names: c.558_559dup, p.Leu187fs (NM_001162426.2, NM_001406592.1, NM_001406593.1 and 16 more transcripts); c.405_406dup, p.Leu136fs (NM_001162427.2, NM_001406610.1, NM_001406611.1 and 2 more transcripts); c.195_196dup, p.Leu66fs (NM_001362177.2, NM_001406622.1, NM_001406623.1 and 10 more transcripts); c.-320_-319dup (NM_001406626.1, NM_001406627.1, NM_001406628.1); c.-462_-461dup (NM_001406629.1); c.-536_-535dup (NM_001406630.1); short protein forms L136fs, L66fs, L187fs.
Identifiers: ClinVar variation 2846731 (VCV002846731.3), dbSNP rs2539014505, ClinGen allele CA2739265161.

ClinVar aggregate classification (germline): Pathogenic (1 of 4 stars; one submission).

Conditions:
Tuberous sclerosis 1 (TSC1). Identifiers: Orphanet 805, MedGen C1854465, MONDO:0008612, OMIM 191100.

Submission:

Labcorp Genetics (formerly Invitae), Labcorp
Classification: Pathogenic for Tuberous sclerosis 1. Last evaluated: 2023-03-17. Review status: criteria provided, single submitter. Criteria: Invitae Variant Classification Sherloc (09022015). Collection method: clinical testing. Allele origin: germline.
Comment: This variant is not present in population databases (gnomAD no frequency). This variant has not been reported in the literature in individuals affected with TSC1-related conditions. For these reasons, this variant has been classified as Pathogenic. This sequence change creates a premature translational stop signal (p.Leu187Hisfs*24) in the TSC1 gene. It is expected to result in an absent or disrupted protein product. Loss-of-function variants in TSC1 are known to be pathogenic (PMID: 10227394, 17304050).

Literature cited by the submitters: PubMed 10227394; PubMed 17304050.